The following is an entry in ClinVar:

NM_001018111.3(PODXL):c.863C>T (p.Thr288Met)

Gene: PODXL (podocalyxin like; minus strand). Cytogenetic location: 7q32.3.
Variant type: single nucleotide variant.
Coding change: c.863C>T on transcript NM_001018111.3 (MANE Select); coding-DNA position 863, C replaced by T.
Protein change: p.Thr288Met; replaces threonine 288 with methionine.
Molecular consequence: missense variant.
Genome position (GRCh38, 1-based): chr7:131,509,525, G>A on the plus strand (C>T on the coding strand, the complement: PODXL is on the minus strand). VCF-style: chr7-131509525-G-A. GRCh37 (hg19) VCF-style: chr7-131194284-G-A.
Other names: c.767C>T, p.Thr256Met (NM_005397.4); c.863C>T (NM_001018111.2); short protein forms T256M, T288M.
Identifiers: ClinVar variation 2152815 (VCV002152815.6), dbSNP rs769831427, ClinGen allele CA4488598.

ClinVar aggregate classification (germline): Conflicting classifications of pathogenicity. Review status: criteria provided, conflicting classifications (1 of 4 stars). 2 submissions from 2 submitters: Uncertain significance (1); Likely benign (1). Last evaluated 2025-12-11.

Conditions:
Inborn genetic diseases. Identifiers: MedGen C0950123, MeSH D030342.

Allele frequency attached by ClinVar (database versions not stated): ExAC 0.00007; TOPMed 0.00004; gnomAD 0.00006; gnomAD exomes 0.00006.
gnomAD v4.1: 93 of 1,604,336 alleles (0.0058%); highest among the groups gnomAD compares: Middle Eastern, 0.033%; 1 homozygote.

Submissions (2):

Labcorp Genetics (formerly Invitae), Labcorp
Classification: Uncertain significance. Last evaluated: 2025-12-11. Review status: criteria provided, single submitter. Criteria: Invitae Variant Classification Sherloc (09022015). Collection method: clinical testing. Allele origin: germline.
Comment: This sequence change replaces threonine, which is neutral and polar, with methionine, which is neutral and non-polar, at codon 256 of the PODXL protein (p.Thr256Met). This variant is present in population databases (rs769831427, gnomAD 0.01%). This variant has not been reported in the literature in individuals affected with PODXL-related conditions. ClinVar contains an entry for this variant (Variation ID: 2152815). An algorithm developed to predict the effect of missense changes on protein structure and function outputs the following: PolyPhen-2: "Benign". The methionine amino acid residue is found in multiple mammalian species, which suggests that this missense change does not adversely affect protein function. In summary, the available evidence is currently insufficient to determine the role of this variant in disease. Therefore, it has been classified as a Variant of Uncertain Significance.

Ambry Genetics
Classification: Likely benign for Inborn genetic diseases. Last evaluated: 2023-07-05. Review status: criteria provided, single submitter. Criteria: Ambry Variant Classification Scheme 2023. Collection method: clinical testing. Allele origin: germline.